The following is an entry in ClinVar:

NM_004977.3(KCNC3):c.395C>T (p.Ala132Val)

Gene: KCNC3 (potassium voltage-gated channel subfamily C member 3; minus strand). Cytogenetic location: 19q13.33.
Variant type: single nucleotide variant.
Coding change: c.395C>T on transcript NM_004977.3 (MANE Select); coding-DNA position 395, C replaced by T.
Protein change: p.Ala132Val; replaces alanine 132 with valine.
Molecular consequence: missense variant.
Genome position (GRCh38, 1-based): chr19:50,328,688, G>A on the plus strand (C>T on the coding strand, the complement: KCNC3 is on the minus strand). VCF-style: chr19-50328688-G-A. GRCh37 (hg19) VCF-style: chr19-50831945-G-A.
Other names: c.167C>T, p.Ala56Val (NM_001372305.1); short protein forms A132V, A56V.
Identifiers: ClinVar variation 2120519 (VCV002120519.4), dbSNP rs2513804035, ClinGen allele CA406955801.

ClinVar aggregate classification (germline): Uncertain significance (1 of 4 stars; one submission).

Submission:

Labcorp Genetics (formerly Invitae), Labcorp
Classification: Uncertain significance. Last evaluated: 2022-09-07. Review status: criteria provided, single submitter. Criteria: Invitae Variant Classification Sherloc (09022015). Collection method: clinical testing. Allele origin: germline.
Comment: In summary, the available evidence is currently insufficient to determine the role of this variant in disease. Therefore, it has been classified as a Variant of Uncertain Significance. Advanced modeling of protein sequence and biophysical properties (such as structural, functional, and spatial information, amino acid conservation, physicochemical variation, residue mobility, and thermodynamic stability) performed at Invitae indicates that this missense variant is not expected to disrupt KCNC3 protein function. This variant has not been reported in the literature in individuals affected with KCNC3-related conditions. This variant is not present in population databases (gnomAD no frequency). This sequence change replaces alanine, which is neutral and non-polar, with valine, which is neutral and non-polar, at codon 132 of the KCNC3 protein (p.Ala132Val).